The following is an entry in ClinVar:

NM_001330078.2(NRXN1):c.1689A>G (p.Ile563Met)

Gene: NRXN1 (neurexin 1; minus strand). Cytogenetic location: 2p16.3.
Variant type: single nucleotide variant.
Coding change: c.1689A>G on transcript NM_001330078.2 (MANE Select); coding-DNA position 1689, A replaced by G.
Protein change: p.Ile563Met; replaces isoleucine 563 with methionine.
Molecular consequence: missense variant.
Genome position (GRCh38, 1-based): chr2:50,552,657, T>C on the plus strand (A>G on the coding strand, the complement: NRXN1 is on the minus strand). VCF-style: chr2-50552657-T-C. GRCh37 (hg19) VCF-style: chr2-50779795-T-C.
Other names: c.1809A>G, p.Ile603Met (NM_001135659.3); c.1665A>G, p.Ile555Met (NM_001330077.2, NM_001330082.2, NM_001330095.2); c.1650A>G, p.Ile550Met (NM_001330083.2, NM_001330084.2); c.1689A>G, p.Ile563Met (NM_001330085.2, NM_001330086.2, NM_004801.6); c.1605A>G, p.Ile535Met (NM_001330087.2, NM_001330096.2); c.1635A>G, p.Ile545Met (NM_001330088.2); c.1686A>G, p.Ile562Met (NM_001330093.2); c.1677A>G, p.Ile559Met (NM_001330094.2); short protein forms I535M, I545M, I550M, I555M, I559M, I562M, I563M, I603M.
Identifiers: ClinVar variation 4811550 (VCV004811550.1).

ClinVar aggregate classification (germline): Uncertain significance (1 of 4 stars; one submission).

Conditions:
Pitt-Hopkins-like syndrome 2 (PTHSL2). Identifiers: Orphanet 221150, Orphanet 600663, MedGen C3280479, MONDO:0013690, OMIM 614325.

Submission:

Labcorp Genetics (formerly Invitae), Labcorp
Classification: Uncertain significance for Pitt-Hopkins-like syndrome 2. Last evaluated: 2025-07-02. Review status: criteria provided, single submitter. Criteria: Invitae Variant Classification Sherloc (09022015). Collection method: clinical testing. Allele origin: germline.
Comment: This sequence change replaces isoleucine, which is neutral and non-polar, with methionine, which is neutral and non-polar, at codon 603 of the NRXN1 protein (p.Ile603Met). This variant is not present in population databases (gnomAD no frequency). This variant has not been reported in the literature in individuals affected with NRXN1-related conditions. An algorithm developed to predict the effect of missense changes on protein structure and function (PolyPhen-2) suggests that this variant is likely to be tolerated. In summary, the available evidence is currently insufficient to determine the role of this variant in disease. Therefore, it has been classified as a Variant of Uncertain Significance.